The following is an entry in ClinVar:

ClinVar aggregate classification (germline): Pathogenic (1 of 4 stars; one submission).

Conditions:
Bethlem myopathy 1A. Also called: Bethlem myopathy 1; MYOPATHY, BENIGN CONGENITAL, WITH CONTRACTURES; Bethlem Muscular Dystrophy. Identifiers: Orphanet 610, MedGen CN029274, MONDO:0024530, OMIM 158810.

Submission:

Labcorp Genetics (formerly Invitae), Labcorp
Classification: Pathogenic for Bethlem myopathy 1A. Last evaluated: 2024-08-31. Review status: criteria provided, single submitter. Criteria: Invitae Variant Classification Sherloc (09022015). Collection method: clinical testing. Allele origin: germline.
Comment: This variant, c.2611_2613del, results in the deletion of 1 amino acid(s) of the COL6A2 protein (p.Asp871del), but otherwise preserves the integrity of the reading frame. This variant is present in population databases (rs755173689, gnomAD 0.004%). This variant has been observed in individuals with autosomal recessive Bethlem myopathy (PMID: 36265364). This variant disrupts a region of the COL6A2 protein in which other variant(s) (p.Asp871Asn) have been determined to be pathogenic (PMID: 19949035, 25533456, 29419890). This suggests that this is a clinically significant region of the protein, and that variants that disrupt it are likely to be disease-causing. For these reasons, this variant has been classified as Pathogenic.

Literature cited by the submitters: PubMed 36265364; PubMed 19949035; PubMed 25533456; PubMed 29419890.

NM_001849.4(COL6A2):c.2605GAC[2] (p.Asp871del)

Gene: COL6A2 (collagen type VI alpha 2 chain; plus strand). Cytogenetic location: 21q22.3.
Variant type: Microsatellite.
Coding change: c.2605GAC[2] on transcript NM_001849.4 (MANE Select); two copies in a row of the 3-base unit GAC starting at c.2605; the reference has three copies in a row; one copy, 3 bases deleted.
Protein change: p.Asp871del; deletes aspartic acid 871.
Genome position (GRCh38, 1-based): chr21:46,132,103-46,132,105, GAC deleted; deleting any 3 consecutive bases within chr21:46,132,097-46,132,105 gives the same sequence; the position shown is the placement nearest the transcript's 3' end. VCF-style (leftmost placement, unchanged base first): chr21-46132096-GGAC-G. GRCh37 (hg19) VCF-style: chr21-47552010-GGAC-G.
Other names: short protein forms D871del.
Identifiers: ClinVar variation 3647873 (VCV003647873.2).